The following is an entry in ClinVar:

ClinVar aggregate classification (germline): Uncertain significance (1 of 4 stars; one submission).

Conditions:
Holocarboxylase synthetase deficiency. Also called: MULTIPLE CARBOXYLASE DEFICIENCY, EARLY ONSET. Identifiers: Orphanet 79242, MedGen C0268581, MONDO:0009666, OMIM 253270.

Submission:

Juno Genomics, Hangzhou Juno Genomics, Inc
Classification: Uncertain significance for Holocarboxylase synthetase deficiency. Review status: criteria provided, single submitter. Criteria: ACMG Guidelines, 2015. Collection method: clinical testing. Allele origin: germline. Affected: yes.
Comment: Absent from controls (or at extremely low frequency if recessive) in Genome Aggregation Database, Exome Sequencing Project, 1000 Genomes Project, or Exome Aggregation Consortium.

NM_001352514.2(HLCS):c.1483G>A (p.Glu495Lys)

Gene: HLCS (holocarboxylase synthetase; minus strand). Cytogenetic location: 21q22.13.
Variant type: single nucleotide variant.
Coding change: c.1483G>A on transcript NM_001352514.2 (MANE Select); coding-DNA position 1483, G replaced by A.
Protein change: p.Glu495Lys; replaces glutamic acid 495 with lysine.
Molecular consequence: missense variant. On other transcripts: non-coding transcript variant (2).
Genome position (GRCh38, 1-based): chr21:36,930,388, C>T on the plus strand (G>A on the coding strand, the complement: HLCS is on the minus strand). VCF-style: chr21-36930388-C-T. GRCh37 (hg19) VCF-style: chr21-38302688-C-T.
Other names: c.1042G>A, p.Glu348Lys (NM_000411.8, NM_001242784.3, NM_001242785.2 and 4 more transcripts); short protein forms E348K, E495K.
Identifiers: ClinVar variation 3382686 (VCV003382686.2).